The following is an entry in ClinVar:

ClinVar aggregate classification (germline): Uncertain significance (1 of 4 stars; one submission).

Conditions:
Emery-Dreifuss muscular dystrophy 4, autosomal dominant (EDMD4). Also called: EMERY-DREIFUSS MUSCULAR DYSTROPHY 4 WITH VARIABLE FEATURES. Identifiers: Orphanet 261, MedGen C2751807, MONDO:0013071, OMIM 612998.

Allele frequency attached by ClinVar (database versions not stated): gnomAD exomes below 0.00001.
gnomAD v4.1: 2 of 1,614,156 alleles (0.00012%); highest among the groups gnomAD compares: Admixed American, 0.0033%; no homozygotes.

Submission:

Baylor Genetics
Classification: Uncertain significance for Emery-Dreifuss muscular dystrophy 4, autosomal dominant. Last evaluated: 2018-05-11. Review status: criteria provided, single submitter. Criteria: ACMG Guidelines, 2015. Collection method: clinical testing. Allele origin: maternal. Affected: yes.
Comment: This variant was determined to be of uncertain significance according to ACMG Guidelines, 2015 [PMID:25741868].

NM_182961.4(SYNE1):c.20136C>G (p.Ile6712Met)

Gene: SYNE1 (spectrin repeat containing nuclear envelope protein 1; minus strand). Cytogenetic location: 6q25.2.
Variant type: single nucleotide variant.
Coding change: c.20136C>G on transcript NM_182961.4 (MANE Select); coding-DNA position 20136, C replaced by G.
Protein change: p.Ile6712Met; replaces isoleucine 6712 with methionine.
Molecular consequence: missense variant.
Genome position (GRCh38, 1-based): chr6:152,236,880, G>C on the plus strand (C>G on the coding strand, the complement: SYNE1 is on the minus strand). VCF-style: chr6-152236880-G-C. GRCh37 (hg19) VCF-style: chr6-152558015-G-C.
Other names: c.19923C>G, p.Ile6641Met (NM_033071.5); short protein forms I6712M, I6641M.
Identifiers: ClinVar variation 1032999 (VCV001032999.1), dbSNP rs761906590, ClinGen allele CA366123422.
Genomic context (GRCh38, chr6:152,236,880, plus strand): 5'-GTAGAGTGTTATGCGGTCAATAAGCCTGTCCTCGTTCTCCTCCACCAGACCCACGCTTGG[G>C]ATGCTGCTTTCCACCACCTCCAGCTGTCTGCTGAGCTCCTGCTGGTCCTCATCCAGATGG-3'
Protein context (NP_892006.3, residues 6702-6722): SRQLEVVESS[Ile6712Met]PSVGLVEENE